The following is an entry in ClinVar:

NM_001267550.2(TTN):c.16096G>A (p.Val5366Met)

Gene: TTN (titin; minus strand). Cytogenetic location: 2q31.2.
Variant type: single nucleotide variant.
Coding change: c.16096G>A on transcript NM_001267550.2 (MANE Select); coding-DNA position 16096, G replaced by A.
Protein change: p.Val5366Met; replaces valine 5366 with methionine.
Molecular consequence: missense variant. On other transcripts: intron variant (3).
Genome position (GRCh38, 1-based): chr2:178,733,080, C>T on the plus strand (G>A on the coding strand, the complement: TTN is on the minus strand). VCF-style: chr2-178733080-C-T. GRCh37 (hg19) VCF-style: chr2-179597807-C-T.
Other names: p.V5049M:GTG>ATG; c.15145G>A, p.Val5049Met (NM_001256850.1); c.12364G>A, p.Val4122Met (NM_133378.4); c.13282+5002G>A (NM_003319.4); c.13858+5002G>A (NM_133437.4); c.13657+5002G>A (NM_133432.3); short protein forms V5049M, V5366M, V4122M.
Identifiers: ClinVar variation 203251 (VCV000203251.27), dbSNP rs372176136, ClinGen allele CA311815.

ClinVar aggregate classification (germline): Conflicting classifications of pathogenicity. Review status: criteria provided, conflicting classifications (1 of 4 stars). 10 submissions from 6 submitters: Uncertain significance (9); Likely benign (1). Last evaluated 2021-06-08.

Conditions:
Autosomal recessive limb-girdle muscular dystrophy type 2J (LGMDR10). Also called: MUSCULAR DYSTROPHY, LIMB-GIRDLE, AUTOSOMAL RECESSIVE 10; Limb-girdle muscular dystrophy, type 2J. Identifiers: Orphanet 140922, MedGen C1837342, MONDO:0012127, OMIM 608807.
Dilated cardiomyopathy 1G (CMD1G). Identifiers: Orphanet 154, MedGen C1858763, MONDO:0011400, OMIM 604145.
Early-onset myopathy with fatal cardiomyopathy (CMYO5). Also called: CONGENITAL MYOPATHY 5 WITH CARDIOMYOPATHY; Salih Myopathy. Identifiers: Orphanet 289377, MedGen C2673677, MONDO:0012714, OMIM 611705. Disease mechanism: loss of function.
Myopathy, myofibrillar, 9, with early respiratory failure (MFM9). Also called: EDSTROM MYOPATHY; Hereditary myopathy with early respiratory failure; MYOPATHY, PROXIMAL, WITH EARLY RESPIRATORY MUSCLE INVOLVEMENT; Myopathy, distal, with early respiratory failure, autosomal dominant. Identifiers: Orphanet 178464, Orphanet 34521, MedGen C1863599, MONDO:0011362, OMIM 603689.
Tibial muscular dystrophy (TMD). Also called: Tibial muscular dystrophy, tardive; Udd Distal Myopathy – Tibial Muscular Dystrophy; UDD MYOPATHY. Identifiers: Orphanet 609, MedGen C1838244, MONDO:0010870, OMIM 600334.

Allele frequency attached by ClinVar (database versions not stated): gnomAD exomes below 0.00001 and 0.00004; gnomAD 0.00001; TOPMed 0.00003.
gnomAD v4.1: 52 of 1,606,724 alleles (0.0032%); highest among the groups gnomAD compares: Non-Finnish European, 0.0043%; no homozygotes.

Submissions (10):

Blueprint Genetics
Classification: Likely benign. Last evaluated: 2021-06-08. Review status: criteria provided, single submitter. Criteria: ACMG Guidelines, 2015. Collection method: clinical testing. Allele origin: germline.

Revvity Omics, Revvity
Classification: Uncertain significance. Last evaluated: 2020-08-10. Review status: criteria provided, single submitter. Criteria: ACMG Guidelines, 2015. Collection method: clinical testing. Allele origin: germline.

Illumina Laboratory Services, Illumina
Classification: Uncertain significance for Dilated cardiomyopathy 1G. Last evaluated: 2018-01-12. Review status: criteria provided, single submitter. Criteria: ICSL Variant Classification Criteria 13 December 2019. Collection method: clinical testing. Allele origin: germline.

Illumina Laboratory Services, Illumina
Classification: Uncertain significance for Early-onset myopathy with fatal cardiomyopathy. Last evaluated: 2018-01-12. Review status: criteria provided, single submitter. Criteria: ICSL Variant Classification Criteria 13 December 2019. Collection method: clinical testing. Allele origin: germline.

Illumina Laboratory Services, Illumina
Classification: Uncertain significance for Tibial muscular dystrophy. Last evaluated: 2018-01-12. Review status: criteria provided, single submitter. Criteria: ICSL Variant Classification Criteria 13 December 2019. Collection method: clinical testing. Allele origin: germline.

Illumina Laboratory Services, Illumina
Classification: Uncertain significance for Myopathy, myofibrillar, 9, with early respiratory failure. Last evaluated: 2018-01-12. Review status: criteria provided, single submitter. Criteria: ICSL Variant Classification Criteria 13 December 2019. Collection method: clinical testing. Allele origin: germline.

Illumina Laboratory Services, Illumina
Classification: Uncertain significance for Autosomal recessive limb-girdle muscular dystrophy type 2J. Last evaluated: 2018-01-12. Review status: criteria provided, single submitter. Criteria: ICSL Variant Classification Criteria 13 December 2019. Collection method: clinical testing. Allele origin: germline.

Labcorp Genetics (formerly Invitae), Labcorp
Classification: Uncertain significance for Dilated cardiomyopathy 1G; Autosomal recessive limb-girdle muscular dystrophy type 2J. Last evaluated: 2017-12-18. Review status: criteria provided, single submitter. Criteria: Invitae Variant Classification Sherloc (09022015). Collection method: clinical testing. Allele origin: germline.

Eurofins Ntd Llc (ga)
Classification: Uncertain significance. Last evaluated: 2017-01-04. Review status: criteria provided, single submitter. Criteria: EGL Classification Definitions 2015. Collection method: clinical testing. Allele origin: germline. Observed: 1 variant allele, 1 heterozygote.

GeneDx
Classification: Uncertain significance. Last evaluated: 2014-05-13. Review status: criteria provided, single submitter. Criteria: GeneDx Variant Classification (06012015). Collection method: clinical testing. Allele origin: germline. Affected: yes.
Comment: Missense variants in the TTN gene are considered 'unclassified' if they are not previously reported in the literature and do not have >1% frequency in the population to be considered a polymorphism. Research indicates that truncating mutations in the TTN gene are expected to account for approximately 25% of familial and 18% of sporadic idiopathic DCM; however, truncating variants in the TTN gene have been reported in approximately 3% of reported control alleles. There has been little investigation into non-truncating variants. (Herman D et al. Truncations of titin causing dilated cardiomyopathy. N Eng J Med 366:619-628, 2012) The variant is found in CARDIOMYOPATHY panel(s).